The following is an entry in ClinVar:

NM_000057.4(BLM):c.1515G>T (p.Trp505Cys)

Gene: BLM (BLM RecQ like helicase; plus strand). Cytogenetic location: 15q26.1.
Variant type: single nucleotide variant.
Coding change: c.1515G>T on transcript NM_000057.4 (MANE Select); coding-DNA position 1515, G replaced by T.
Protein change: p.Trp505Cys; replaces tryptophan 505 with cysteine.
Molecular consequence: missense variant.
Genome position (GRCh38, 1-based): chr15:90,760,888, G>T. VCF-style: chr15-90760888-G-T. GRCh37 (hg19) VCF-style: chr15-91304118-G-T.
Other names: c.1515G>T, p.Trp505Cys (NM_001287246.2, NM_001287247.2); c.390G>T, p.Trp130Cys (NM_001287248.2); short protein forms W505C, W130C.
Identifiers: ClinVar variation 524765 (VCV000524765.9), dbSNP rs1286401716, ClinGen allele CA393843226.

ClinVar aggregate classification (germline): Uncertain significance (1 of 4 stars; one submission).

Conditions:
Bloom syndrome (BLM). Also called: Bloom-Torre-Machacek syndrome. Identifiers: Orphanet 125, MedGen C0005859, MONDO:0008876, OMIM 210900.

Submission:

Labcorp Genetics (formerly Invitae), Labcorp
Classification: Uncertain significance for Bloom syndrome. Last evaluated: 2017-09-10. Review status: criteria provided, single submitter. Criteria: Invitae Variant Classification Sherloc (09022015). Collection method: clinical testing. Allele origin: germline.
Comment: In summary, the available evidence is currently insufficient to determine the role of this variant in disease. Therefore, it has been classified as a Variant of Uncertain Significance. Algorithms developed to predict the effect of missense changes on protein structure and function output the following: SIFT: "Tolerated"; PolyPhen-2: "Benign"; Align-GVGD: "Class C0". The cysteine amino acid residue is found in multiple mammalian species, suggesting that this missense change does not adversely affect protein function. These predictions have not been confirmed by published functional studies and their clinical significance is uncertain. This variant has not been reported in the literature in individuals with BLM-related disease. This variant is not present in population databases (ExAC no frequency). This sequence change replaces tryptophan with cysteine at codon 505 of the BLM protein (p.Trp505Cys). The tryptophan residue is weakly conserved and there is a large physicochemical difference between tryptophan and cysteine.